The following is an entry in ClinVar:

NM_001384743.1(AMZ1):c.622G>T (p.Ala208Ser)

Gene: AMZ1 (archaelysin family metallopeptidase 1; plus strand). Cytogenetic location: 7p22.3.
Variant type: single nucleotide variant.
Coding change: c.622G>T on transcript NM_001384743.1 (MANE Select); coding-DNA position 622, G replaced by T.
Protein change: p.Ala208Ser; replaces alanine 208 with serine.
Molecular consequence: missense variant. On other transcripts: intron variant (3).
Genome position (GRCh38, 1-based): chr7:2,709,095, G>T. VCF-style: chr7-2709095-G-T. GRCh37 (hg19) VCF-style: chr7-2748729-G-T.
Other names: c.622G>T, p.Ala208Ser (NM_001321766.2, NM_001384739.1, NM_001384740.1 and 1 more transcripts); c.601+379G>T (NM_001384742.1, NM_001384741.1, NM_001284355.4); short protein forms A208S.
Identifiers: ClinVar variation 4839462 (VCV004839462.1).

ClinVar aggregate classification (germline): Uncertain significance (1 of 4 stars; one submission).

Submission:

Ambry Genetics
Classification: Uncertain significance. Last evaluated: 2026-01-21. Review status: criteria provided, single submitter. Criteria: Ambry Variant Classification Scheme 2023. Collection method: clinical testing. Allele origin: germline.
Comment: The c.622G>T (p.A208S) alteration is located in exon 5 (coding exon 4) of the AMZ1 gene. This alteration results from a G to T substitution at nucleotide position 622, causing the alanine (A) at amino acid position 208 to be replaced by a serine (S). Based on data from gnomAD, the T allele has an overall frequency of 0.001% (3/270126) total alleles studied. The highest observed frequency was 0.008% (2/24068) of African alleles. Based on insufficient or conflicting evidence, the clinical significance of this alteration remains unclear.